The following is an entry in ClinVar:

ClinVar aggregate classification (germline): Uncertain significance. Review status: criteria provided, multiple submitters, no conflicts (2 of 4 stars). 2 submissions from 2 submitters: Uncertain significance (2). Last evaluated 2024-12-04.

gnomAD v4.1: 13 of 1,614,120 alleles (0.00081%); highest among the groups gnomAD compares: Middle Eastern, 0.15%; no homozygotes.

Submissions (2):

Labcorp Genetics (formerly Invitae), Labcorp
Classification: Uncertain significance. Last evaluated: 2024-12-04. Review status: criteria provided, single submitter. Criteria: Invitae Variant Classification Sherloc (09022015). Collection method: clinical testing. Allele origin: germline.
Comment: This sequence change replaces aspartic acid, which is acidic and polar, with asparagine, which is neutral and polar, at codon 385 of the FZD4 protein (p.Asp385Asn). This variant is present in population databases (rs745451086, gnomAD 0.003%). This variant has not been reported in the literature in individuals affected with FZD4-related conditions. Invitae Evidence Modeling of protein sequence and biophysical properties (such as structural, functional, and spatial information, amino acid conservation, physicochemical variation, residue mobility, and thermodynamic stability) indicates that this missense variant is not expected to disrupt FZD4 protein function with a negative predictive value of 80%. In summary, the available evidence is currently insufficient to determine the role of this variant in disease. Therefore, it has been classified as a Variant of Uncertain Significance.

Blueprint Genetics
Classification: Uncertain significance. Last evaluated: 2019-09-24. Review status: criteria provided, single submitter. Criteria: ACMG Guidelines, 2015. Collection method: clinical testing. Allele origin: germline.

NM_012193.4(FZD4):c.1153G>A (p.Asp385Asn)

Genes: FZD4 (frizzled class receptor 4; minus strand), PRSS23 (serine protease 23; plus strand). Cytogenetic location: 11q14.2.
Variant type: single nucleotide variant.
Coding change: c.1153G>A on transcript NM_012193.4 (MANE Select); coding-DNA position 1153, G replaced by A.
Protein change: p.Asp385Asn; replaces aspartic acid 385 with asparagine.
Molecular consequence: missense variant. On other transcripts: non-coding transcript variant (2).
Genome position (GRCh38, 1-based): chr11:86,951,603, C>T on the plus strand (G>A on the coding strand, the complement: FZD4 is on the minus strand). VCF-style: chr11-86951603-C-T. GRCh37 (hg19) VCF-style: chr11-86662645-C-T.
Other names: short protein forms D385N.
Identifiers: ClinVar variation 3702878 (VCV003702878.3).